The following is an entry in ClinVar:

NM_001286.5(CLCN6):c.22C>G (p.Leu8Val)

Gene: CLCN6 (Cl-/H+ antiporter 6; plus strand). Cytogenetic location: 1p36.22.
Variant type: single nucleotide variant.
Coding change: c.22C>G on transcript NM_001286.5 (MANE Select); coding-DNA position 22, C replaced by G.
Protein change: p.Leu8Val; replaces leucine 8 with valine.
Molecular consequence: missense variant. On other transcripts: non-coding transcript variant (1).
Genome position (GRCh38, 1-based): chr1:11,806,284, C>G. VCF-style: chr1-11806284-C-G. GRCh37 (hg19) VCF-style: chr1-11866341-C-G.
Other names: c.22C>G, p.Leu8Val (NM_001256959.2); short protein forms L8V.
Identifiers: ClinVar variation 1421056 (VCV001421056.6), dbSNP rs150143694, ClinGen allele CA595844.
Genomic context (GRCh38, chr1:11,806,284, plus strand): 5'-GGTTGGTAGAGGGGTCCAGAGTGGCAGTAAAGGAGGAAGATGGCGGGGTGCAGGGGGTCT[C>G]TGTGCTGCTGCTGCAGGTGGTGCTGCTGCTGCGGTGAGCGTGAGACCCGCACCCCCGAGG-3'
Protein context (NP_001277.2, residues 1-18): MAGCRGS[Leu8Val]CCCCRWCCCC

ClinVar aggregate classification (germline): Uncertain significance (1 of 4 stars; one submission).

Allele frequency attached by ClinVar (database versions not stated): ESP Exome Variant Server 0.00008.
gnomAD v4.1: 176 of 1,502,306 alleles (0.012%); highest among the groups gnomAD compares: Non-Finnish European, 0.014%; no homozygotes.

Submission:

Labcorp Genetics (formerly Invitae), Labcorp
Classification: Uncertain significance. Last evaluated: 2024-11-15. Review status: criteria provided, single submitter. Criteria: Invitae Variant Classification Sherloc (09022015). Collection method: clinical testing. Allele origin: germline.
Comment: This sequence change replaces leucine, which is neutral and non-polar, with valine, which is neutral and non-polar, at codon 8 of the CLCN6 protein (p.Leu8Val). This variant is present in population databases (rs150143694, gnomAD 0.04%), and has an allele count higher than expected for a pathogenic variant. This variant has not been reported in the literature in individuals affected with CLCN6-related conditions. ClinVar contains an entry for this variant (Variation ID: 1421056). An algorithm developed to predict the effect of missense changes on protein structure and function outputs the following: PolyPhen-2: "Not Available". The valine amino acid residue is found in multiple mammalian species, which suggests that this missense change does not adversely affect protein function. In summary, the available evidence is currently insufficient to determine the role of this variant in disease. Therefore, it has been classified as a Variant of Uncertain Significance.